The following is an entry in ClinVar:

NM_001002294.3(FMO3):c.596T>C (p.Ile199Thr)

Genes: FMO3 (flavin containing dimethylaniline monoxygenase 3; plus strand), LOC126805916 (BRD4-independent group 4 enhancer GRCh37_chr1:171076844-171078043; plus strand). Cytogenetic location: 1q24.3.
Variant type: single nucleotide variant.
Coding change: c.596T>C on transcript NM_001002294.3 (MANE Select); coding-DNA position 596, T replaced by C.
Protein change: p.Ile199Thr; replaces isoleucine 199 with threonine.
Molecular consequence: missense variant.
Genome position (GRCh38, 1-based): chr1:171,108,190, T>C. VCF-style: chr1-171108190-T-C. GRCh37 (hg19) VCF-style: chr1-171077331-T-C.
Other names: c.536T>C, p.Ile179Thr (NM_001319173.2); c.407T>C, p.Ile136Thr (NM_001319174.2); c.596T>C, p.Ile199Thr (NM_006894.6); short protein forms I136T, I179T, I199T.
Identifiers: ClinVar variation 3251860 (VCV003251860.1), dbSNP rs72549327.

ClinVar aggregate classification (germline): Uncertain significance (1 of 4 stars; one submission).

Allele frequency attached by ClinVar (database versions not stated): ExAC 0.00001; gnomAD 0.00001; gnomAD exomes 0.00001.
gnomAD v4.1: 10 of 1,613,780 alleles (0.00062%); highest among the groups gnomAD compares: South Asian, 0.0088%; no homozygotes.

Submission:

Women's Health and Genetics/Laboratory Corporation of America, LabCorp
Classification: Uncertain significance. Last evaluated: 2024-04-18. Review status: criteria provided, single submitter. Criteria: LabCorp Variant Classification Summary - May 2015. Collection method: clinical testing. Allele origin: germline.
Comment: Variant summary: FMO3 c.596T>C (p.Ile199Thr) results in a non-conservative amino acid change in the encoded protein sequence. Four of five in-silico tools predict a damaging effect of the variant on protein function. The variant allele was found at a frequency of 4e-06 in 251246 control chromosomes. The available data on variant occurrences in the general population are insufficient to allow any conclusion about variant significance. c.596T>C has been reported in the literature as a non-informative genotype in individuals affected with Trimethylaminuria (Zschocke_1999). These report(s) do not provide unequivocal conclusions about association of the variant with Trimethylaminuria. To our knowledge, no experimental evidence demonstrating an impact on protein function has been reported. The following publications have been ascertained in the context of this evaluation (PMID: 12052141, 34634752, 10485731). No submitters have cited clinical-significance assessments for this variant to ClinVar. Based on the evidence outlined above, the variant was classified as uncertain significance.

Literature cited by the submitters: PubMed 12052141; PubMed 34634752; PubMed 10485731.